The following is an entry in ClinVar:

ClinVar aggregate classification (germline): Uncertain significance (1 of 4 stars; one submission).

Submission:

GeneDx
Classification: Uncertain significance. Last evaluated: 2025-01-15. Review status: criteria provided, single submitter. Criteria: GeneDx Variant Classification Process June 2021. Collection method: clinical testing. Allele origin: germline. Affected: yes.
Comment: Not observed at significant frequency in large population cohorts (gnomAD); In silico analysis supports that this missense variant has a deleterious effect on protein structure/function; Has not been previously published as pathogenic or benign to our knowledge

NM_017617.5(NOTCH1):c.4535C>A (p.Ala1512Asp)

Gene: NOTCH1 (notch receptor 1; minus strand). Cytogenetic location: 9q34.3.
Variant type: single nucleotide variant.
Coding change: c.4535C>A on transcript NM_017617.5 (MANE Select); coding-DNA position 4535, C replaced by A.
Protein change: p.Ala1512Asp; replaces alanine 1512 with aspartic acid.
Molecular consequence: missense variant.
Genome position (GRCh38, 1-based): chr9:136,505,361, G>T on the plus strand (C>A on the coding strand, the complement: NOTCH1 is on the minus strand). VCF-style: chr9-136505361-G-T. GRCh37 (hg19) VCF-style: chr9-139399813-G-T.
Other names: short protein forms A1512D.
Identifiers: ClinVar variation 4070730 (VCV004070730.1).